The following is an entry in ClinVar:

ClinVar aggregate classification (germline): Likely benign. Review status: criteria provided, multiple submitters, no conflicts (2 of 4 stars). 2 submissions from 2 submitters: Likely benign (2). Last evaluated 2026-03-03.

Conditions:
ANKRD11-related disorder. Also called: ANKRD11-related condition.

gnomAD v4.1: 14 of 1,613,816 alleles (0.00087%); highest among the groups gnomAD compares: South Asian, 0.0077%; no homozygotes.

Submissions (2):

PreventionGenetics, part of Exact Sciences
Classification: Likely benign for ANKRD11-related condition. Last evaluated: 2026-03-03. Review status: criteria provided, single submitter. Criteria: ACMG Guidelines, 2015. Collection method: clinical testing. Allele origin: germline.
Comment: This variant is classified as likely benign based on ACMG/AMP sequence variant interpretation guidelines (Richards et al. 2015 PMID: 25741868, with internal and published modifications).

Blueprint Genetics
Classification: Likely benign. Last evaluated: 2021-07-30. Review status: criteria provided, single submitter. Criteria: ACMG Guidelines, 2015. Collection method: clinical testing. Allele origin: germline.

NM_013275.6(ANKRD11):c.1518G>A (p.Pro506=)

Gene: ANKRD11 (ankyrin repeat domain 11; minus strand). Cytogenetic location: 16q24.3.
Variant type: single nucleotide variant.
Coding change: c.1518G>A on transcript NM_013275.6 (MANE Select); coding-DNA position 1518, G replaced by A.
Protein change: p.Pro506=; no amino-acid change (proline 506 retained).
Molecular consequence: synonymous variant.
Genome position (GRCh38, 1-based): chr16:89,285,024, C>T on the plus strand (G>A on the coding strand, the complement: ANKRD11 is on the minus strand). VCF-style: chr16-89285024-C-T. GRCh37 (hg19) VCF-style: chr16-89351432-C-T.
Other names: c.1518G>A (NM_013275.5); c.1518G>A, p.Pro506= (NM_001256183.2, NM_001256182.2).
Identifiers: ClinVar variation 4932168 (VCV004932168.2).